The following is an entry in ClinVar:

NM_001844.5(COL2A1):c.4459T>A (p.Leu1487Met)

Gene: COL2A1 (collagen type II alpha 1 chain; minus strand). Cytogenetic location: 12q13.11.
Variant type: single nucleotide variant.
Coding change: c.4459T>A on transcript NM_001844.5 (MANE Select); coding-DNA position 4459, T replaced by A.
Protein change: p.Leu1487Met; replaces leucine 1487 with methionine.
Molecular consequence: missense variant.
Genome position (GRCh38, 1-based): chr12:47,973,412, A>T on the plus strand (T>A on the coding strand, the complement: COL2A1 is on the minus strand). VCF-style: chr12-47973412-A-T. GRCh37 (hg19) VCF-style: chr12-48367195-A-T.
Other names: c.4252T>A, p.Leu1418Met (NM_033150.3); short protein forms L1487M, L1418M.
Identifiers: ClinVar variation 2797177 (VCV002797177.3), dbSNP rs1938531475, ClinGen allele CA384533074.

ClinVar aggregate classification (germline): Uncertain significance (1 of 4 stars; one submission).

gnomAD v4.1: 4 of 1,614,164 alleles (0.00025%); highest among the groups gnomAD compares: African/African-American, 0.0013%; no homozygotes.

Submission:

Labcorp Genetics (formerly Invitae), Labcorp
Classification: Uncertain significance. Last evaluated: 2023-04-12. Review status: criteria provided, single submitter. Criteria: Invitae Variant Classification Sherloc (09022015). Collection method: clinical testing. Allele origin: germline.
Comment: In summary, the available evidence is currently insufficient to determine the role of this variant in disease. Therefore, it has been classified as a Variant of Uncertain Significance. Advanced modeling of protein sequence and biophysical properties (such as structural, functional, and spatial information, amino acid conservation, physicochemical variation, residue mobility, and thermodynamic stability) performed at Invitae indicates that this missense variant is not expected to disrupt COL2A1 protein function. This variant has not been reported in the literature in individuals affected with COL2A1-related conditions. This variant is not present in population databases (gnomAD no frequency). This sequence change replaces leucine, which is neutral and non-polar, with methionine, which is neutral and non-polar, at codon 1487 of the COL2A1 protein (p.Leu1487Met).